The following is an entry in ClinVar:

ClinVar aggregate classification (germline): Uncertain significance. Review status: criteria provided, multiple submitters, no conflicts (2 of 4 stars). 2 submissions from 2 submitters: Uncertain significance (2). Last evaluated 2025-03-14.

Conditions:
Cardiovascular phenotype. Identifiers: MedGen CN230736.
Cutis laxa, autosomal recessive, type 1B (ARCL1B). Also called: EFEMP2-Related Cutis Laxa; CUTIS LAXA, AUTOSOMAL RECESSIVE, TYPE IB. Identifiers: Orphanet 90349, MedGen C3280798, MONDO:0013754, OMIM 614437. Disease mechanism: loss of function.

Submissions (2):

Ambry Genetics
Classification: Uncertain significance for Cardiovascular phenotype. Last evaluated: 2025-03-14. Review status: criteria provided, single submitter. Criteria: Ambry Variant Classification Scheme 2023. Collection method: clinical testing. Allele origin: germline.
Comment: The p.E206K variant (also known as c.616G>A), located in coding exon 6 of the EFEMP2 gene, results from a G to A substitution at nucleotide position 616. The glutamic acid at codon 206 is replaced by lysine, an amino acid with similar properties. This amino acid position is conserved. In addition, this alteration is predicted to be deleterious by in silico analysis. Based on the available evidence, the clinical significance of this variant remains unclear.

Labcorp Genetics (formerly Invitae), Labcorp
Classification: Uncertain significance for Cutis laxa, autosomal recessive, type 1B. Last evaluated: 2019-04-09. Review status: criteria provided, single submitter. Criteria: Invitae Variant Classification Sherloc (09022015). Collection method: clinical testing. Allele origin: germline.
Comment: In summary, the available evidence is currently insufficient to determine the role of this variant in disease. Therefore, it has been classified as a Variant of Uncertain Significance. Algorithms developed to predict the effect of missense changes on protein structure and function (SIFT, PolyPhen-2, Align-GVGD) all suggest that this variant is likely to be disruptive, but these predictions have not been confirmed by published functional studies and their clinical significance is uncertain. This variant has not been reported in the literature in individuals with EFEMP2-related conditions. This variant is not present in population databases (ExAC no frequency). This sequence change replaces glutamic acid with lysine at codon 206 of the EFEMP2 protein (p.Glu206Lys). The glutamic acid residue is highly conserved and there is a small physicochemical difference between glutamic acid and lysine.

NM_016938.5(EFEMP2):c.616G>A (p.Glu206Lys)

Gene: EFEMP2 (EGF-like fibulin extracellular matrix protein 2; minus strand). Cytogenetic location: 11q13.1.
Variant type: single nucleotide variant.
Coding change: c.616G>A on transcript NM_016938.5 (MANE Select); coding-DNA position 616, G replaced by A.
Protein change: p.Glu206Lys; replaces glutamic acid 206 with lysine.
Molecular consequence: missense variant. On other transcripts: non-coding transcript variant (1).
Genome position (GRCh38, 1-based): chr11:65,869,968, C>T on the plus strand (G>A on the coding strand, the complement: EFEMP2 is on the minus strand). VCF-style: chr11-65869968-C-T. GRCh37 (hg19) VCF-style: chr11-65637439-C-T.
Other names: short protein forms E206K.
Identifiers: ClinVar variation 856817 (VCV000856817.8), dbSNP rs1450189245, ClinGen allele CA381359807.